The following is an entry in ClinVar:

NM_000044.6(AR):c.2750del (p.Phe917fs)

Gene: AR (androgen receptor; plus strand). Cytogenetic location: Xq12.
Variant type: Deletion.
Coding change: c.2750del on transcript NM_000044.6 (MANE Select); coding-DNA position 2750, one base deleted (T; older notation c.2750delT).
Protein change: p.Phe917fs; shifts the reading frame from phenylalanine 917.
Molecular consequence: frameshift variant.
Genome position (GRCh38, 1-based): chrX:67,723,828, T deleted; the last of 3 consecutive T bases (chrX:67,723,826-67,723,828); deleting any one gives the same sequence. VCF-style (leftmost placement, unchanged base first): chrX-67723825-AT-A. GRCh37 (hg19) VCF-style: chrX-66943667-AT-A.
Other names: c.1154del, p.Phe385fs (NM_001011645.3); short protein forms F385fs, F917fs.
Identifiers: ClinVar variation 1518028 (VCV001518028.8), dbSNP rs2147540838, ClinGen allele CA2573158999.

ClinVar aggregate classification (germline): Pathogenic (1 of 4 stars; one submission).

Conditions:
Kennedy disease (SMAX1). Also called: SPINAL AND BULBAR MUSCULAR ATROPHY, X-LINKED 1; KENNEDY SPINAL AND BULBAR MUSCULAR ATROPHY; Spinal and Bulbar Muscular Atrophy. Identifiers: Orphanet 481, MedGen C1839259, MONDO:0010735, OMIM 313200.
Androgen resistance syndrome (AIS). Also called: ANDROGEN RECEPTOR DEFICIENCY; DIHYDROTESTOSTERONE RECEPTOR DEFICIENCY; Androgen insensitivity; DHTR DEFICIENCY; TESTICULAR FEMINIZATION SYNDROME; Androgen insensitivity syndrome. Identifiers: Orphanet 754, Orphanet 99429, MedGen C0039585, MONDO:0019154, OMIM 300068. Disease mechanism: loss of function.

Submission:

Labcorp Genetics (formerly Invitae), Labcorp
Classification: Pathogenic for Kennedy disease; Androgen resistance syndrome. Last evaluated: 2023-07-14. Review status: criteria provided, single submitter. Criteria: Invitae Variant Classification Sherloc (09022015). Collection method: clinical testing. Allele origin: germline.
Comment: This sequence change results in a frameshift in the AR gene (p.Phe917Serfs*27). While this is not anticipated to result in nonsense mediated decay, it is expected to disrupt the last 4 amino acid(s) of the AR protein and extend the protein by 22 additional amino acid residues. For these reasons, this variant has been classified as Pathogenic. This variant disrupts a region of the AR protein in which other variant(s) (p.Phe917Leu) have been determined to be pathogenic (PMID: 9302173, 30113450). This suggests that this is a clinically significant region of the protein, and that variants that disrupt it are likely to be disease-causing. ClinVar contains an entry for this variant (Variation ID: 1518028). This variant has not been reported in the literature in individuals affected with AR-related conditions. This variant is not present in population databases (gnomAD no frequency).

Literature cited by the submitters: PubMed 9302173; PubMed 30113450.